The following is an entry in ClinVar:

ClinVar aggregate classification (germline): Uncertain significance. Review status: criteria provided, multiple submitters, no conflicts (2 of 4 stars). 4 submissions from 4 submitters: Uncertain significance (4). Last evaluated 2025-11-17.

Conditions:
Neuroblastoma, susceptibility to, 3. Also called: ALK-Related Neuroblastic Tumor Susceptibility. Identifiers: Orphanet 635, MedGen C2751681, MONDO:0013083, OMIM 613014.
Hereditary cancer-predisposing syndrome. Also called: Hereditary neoplastic syndrome; Neoplastic Syndromes, Hereditary; Tumor predisposition; Hereditary Cancer Syndrome. Identifiers: Orphanet 140162, MedGen C0027672, MeSH D009386, MONDO:0015356.

Allele frequency attached by ClinVar (database versions not stated): gnomAD exomes 0.00001; ExAC 0.00002.
gnomAD v4.1: 9 of 1,614,192 alleles (0.00056%); highest among the groups gnomAD compares: Admixed American, 0.0033%; no homozygotes.

Submissions (4):

Labcorp Genetics (formerly Invitae), Labcorp
Classification: Uncertain significance for Neuroblastoma, susceptibility to, 3. Last evaluated: 2025-11-17. Review status: criteria provided, single submitter. Criteria: Invitae Variant Classification Sherloc (09022015). Collection method: clinical testing. Allele origin: germline.
Comment: This sequence change replaces glutamic acid, which is acidic and polar, with lysine, which is basic and polar, at codon 192 of the ALK protein (p.Glu192Lys). This variant is present in population databases (rs770006984, gnomAD 0.003%). This variant has not been reported in the literature in individuals affected with ALK-related conditions. ClinVar contains an entry for this variant (Variation ID: 470891). An algorithm developed to predict the effect of missense changes on protein structure and function (PolyPhen-2) suggests that this variant is likely to be disruptive. In summary, the available evidence is currently insufficient to determine the role of this variant in disease. Therefore, it has been classified as a Variant of Uncertain Significance.

Ambry Genetics
Classification: Uncertain significance for Hereditary cancer-predisposing syndrome. Last evaluated: 2025-08-19. Review status: criteria provided, single submitter. Criteria: Ambry Variant Classification Scheme 2023. Collection method: clinical testing. Allele origin: germline.
Comment: The p.E192K variant (also known as c.574G>A), located in coding exon 1 of the ALK gene, results from a G to A substitution at nucleotide position 574. The glutamic acid at codon 192 is replaced by lysine, an amino acid with similar properties. This amino acid position is highly conserved in available vertebrate species. In addition, the in silico prediction for this alteration is inconclusive. Based on the available evidence, the clinical significance of this variant remains unclear.

GeneDx
Classification: Uncertain significance. Last evaluated: 2024-06-10. Review status: criteria provided, single submitter. Criteria: GeneDx Variant Classification Process June 2021. Collection method: clinical testing. Allele origin: germline. Affected: yes.
Comment: Not observed at significant frequency in large population cohorts (gnomAD); In silico analysis indicates that this missense variant does not alter protein structure/function; Has not been previously published as pathogenic or benign to our knowledge; This variant is associated with the following publications: (PMID: 34250410)

Baylor Genetics
Classification: Uncertain significance for Neuroblastoma, susceptibility to, 3. Last evaluated: 2024-03-21. Review status: criteria provided, single submitter. Criteria: ACMG Guidelines, 2015. Collection method: clinical testing. Allele origin: unknown.

NM_004304.5(ALK):c.574G>A (p.Glu192Lys)

Gene: ALK (ALK receptor tyrosine kinase; minus strand). Cytogenetic location: 2p23.1.
Variant type: single nucleotide variant.
Coding change: c.574G>A on transcript NM_004304.5 (MANE Select); coding-DNA position 574, G replaced by A.
Protein change: p.Glu192Lys; replaces glutamic acid 192 with lysine.
Molecular consequence: missense variant.
Genome position (GRCh38, 1-based): chr2:29,920,086, C>T on the plus strand (G>A on the coding strand, the complement: ALK is on the minus strand). VCF-style: chr2-29920086-C-T. GRCh37 (hg19) VCF-style: chr2-30142952-C-T.
Other names: short protein forms E192K.
Identifiers: ClinVar variation 470891 (VCV000470891.13), dbSNP rs770006984, ClinGen allele CA1594939.